The following is an entry in ClinVar:

NM_006441.4(MTHFS):c.251G>A (p.Arg84Gln)

Genes: MTHFS (methenyltetrahydrofolate synthetase; minus strand), ST20-MTHFS (ST20-MTHFS readthrough; minus strand). Cytogenetic location: 15q25.1.
Variant type: single nucleotide variant.
Coding change: c.251G>A on transcript NM_006441.4 (MANE Select); coding-DNA position 251, G replaced by A.
Protein change: p.Arg84Gln; replaces arginine 84 with glutamine.
Molecular consequence: missense variant. On other transcripts: non-coding transcript variant (1).
Genome position (GRCh38, 1-based): chr15:79,889,221, C>T on the plus strand (G>A on the coding strand, the complement: MTHFS is on the minus strand). VCF-style: chr15-79889221-C-T. GRCh37 (hg19) VCF-style: chr15-80181563-C-T.
Other names: c.179G>A, p.Arg60Gln (NM_001199760.2); c.80G>A, p.Arg27Gln (NM_001199758.1); short protein forms R27Q, R60Q, R84Q.
Identifiers: ClinVar variation 2072759 (VCV002072759.4), dbSNP rs751600310, ClinGen allele CA7690326.

ClinVar aggregate classification (germline): Conflicting classifications of pathogenicity. Review status: criteria provided, conflicting classifications (1 of 4 stars). 2 submissions from 2 submitters: Uncertain significance (1); Likely benign (1). Last evaluated 2024-11-05.

Allele frequency attached by ClinVar (database versions not stated): gnomAD 0.00009; ExAC 0.00011.
gnomAD v4.1: 143 of 1,614,032 alleles (0.0089%); highest among the groups gnomAD compares: Admixed American, 0.058%; no homozygotes.

Submissions (2):

Labcorp Genetics (formerly Invitae), Labcorp
Classification: Uncertain significance. Last evaluated: 2024-11-05. Review status: criteria provided, single submitter. Criteria: Invitae Variant Classification Sherloc (09022015). Collection method: clinical testing. Allele origin: germline.
Comment: This sequence change replaces arginine, which is basic and polar, with glutamine, which is neutral and polar, at codon 84 of the MTHFS protein (p.Arg84Gln). This variant is present in population databases (rs751600310, gnomAD 0.06%). This variant has not been reported in the literature in individuals affected with MTHFS-related conditions. ClinVar contains an entry for this variant (Variation ID: 2072759). An algorithm developed to predict the effect of missense changes on protein structure and function outputs the following: PolyPhen-2: "Benign". The glutamine amino acid residue is found in multiple mammalian species, which suggests that this missense change does not adversely affect protein function. In summary, the available evidence is currently insufficient to determine the role of this variant in disease. Therefore, it has been classified as a Variant of Uncertain Significance.

Ambry Genetics
Classification: Likely benign. Last evaluated: 2021-12-03. Review status: criteria provided, single submitter. Criteria: Ambry Variant Classification Scheme 2023. Collection method: clinical testing. Allele origin: germline.